The following is an entry in ClinVar:

ClinVar aggregate classification (germline): Uncertain significance. Review status: criteria provided, multiple submitters, no conflicts (2 of 4 stars). 2 submissions from 2 submitters: Uncertain significance (2). Last evaluated 2024-04-08.

Allele frequency attached by ClinVar (database versions not stated): gnomAD exomes 0.00004; TOPMed 0.00005; ExAC 0.00006; gnomAD 0.00011; 1000 Genomes Project 0.00020; 1000 Genomes Project 30x 0.00031.
gnomAD v4.1: 75 of 1,613,478 alleles (0.0046%); highest among the groups gnomAD compares: Admixed American, 0.0083%; no homozygotes.

Submissions (2):

Blueprint Genetics
Classification: Uncertain significance. Last evaluated: 2024-04-08. Review status: criteria provided, single submitter. Criteria: ACMG Guidelines, 2015. Collection method: clinical testing. Allele origin: germline.

GeneDx
Classification: Uncertain significance. Last evaluated: 2017-07-28. Review status: criteria provided, single submitter. Criteria: GeneDx Variant Classification (06012015). Collection method: clinical testing. Allele origin: germline. Affected: yes.
Comment: The R448C variant in the ILDR1 gene has not been reported previously as a pathogenic variant, nor as a benign variant, to our knowledge. The R448C variant is observed in 2/6,086 (0.03%) alleles from individuals of African background in the ExAC dataset (Lek et al., 2016). The R448C variant is a non-conservative amino acid substitution, which is likely to impact secondary protein structure as these residues differ in polarity, charge, size and/or other properties. This substitution occurs at a position where amino acids with similar properties to Arginine are tolerated across species. In silico analysis is inconsistent in its predictions as to whether or not the variant is damaging to the protein structure/function. We interpret R448C as a variant of uncertain significance.

NM_001199799.2(ILDR1):c.1342C>T (p.Arg448Cys)

Gene: ILDR1 (immunoglobulin like domain containing receptor 1; minus strand). Cytogenetic location: 3q13.33.
Variant type: single nucleotide variant.
Coding change: c.1342C>T on transcript NM_001199799.2 (MANE Select); coding-DNA position 1342, C replaced by T.
Protein change: p.Arg448Cys; replaces arginine 448 with cysteine.
Molecular consequence: missense variant.
Genome position (GRCh38, 1-based): chr3:121,993,407, G>A on the plus strand (C>T on the coding strand, the complement: ILDR1 is on the minus strand). VCF-style: chr3-121993407-G-A. GRCh37 (hg19) VCF-style: chr3-121712254-G-A.
Other names: c.1075C>T, p.Arg359Cys (NM_001199800.2); c.1210C>T, p.Arg404Cys (NM_175924.4); short protein forms R448C, R359C, R404C.
Identifiers: ClinVar variation 449950 (VCV000449950.3), dbSNP rs180838731, ClinGen allele CA2568709.